The following is an entry in ClinVar:

NC_000019.10:g.39480570A>G

Gene: TIMM50 (translocase of inner mitochondrial membrane 50; plus strand). Cytogenetic location: 19q13.2.
Variant type: single nucleotide variant.
Genome position: GRCh38 VCF-style: chr19-39480570-A-G. GRCh37 (hg19) VCF-style: chr19-39971210-A-G.
Identifiers: ClinVar variation 1446078 (VCV001446078.3), dbSNP rs778485461, ClinGen allele CA9431533.

ClinVar aggregate classification (germline): Uncertain significance (1 of 4 stars; one submission).

Allele frequency attached by ClinVar (database versions not stated): gnomAD exomes 0.00003 and 0.00004; ExAC 0.00005; TOPMed 0.00001; gnomAD 0.00002.

Submission:

Labcorp Genetics (formerly Invitae), Labcorp
Classification: Uncertain significance. Last evaluated: 2022-10-11. Review status: criteria provided, single submitter. Criteria: Invitae Variant Classification Sherloc (09022015). Collection method: clinical testing. Allele origin: germline.
Comment: This sequence change replaces asparagine, which is neutral and polar, with serine, which is neutral and polar, at codon 9 of the TIMM50 protein (p.Asn9Ser). This variant is present in population databases (rs778485461, gnomAD 0.009%). This variant has not been reported in the literature in individuals affected with TIMM50-related conditions. ClinVar contains an entry for this variant (Variation ID: 1446078). Algorithms developed to predict the effect of missense changes on protein structure and function output the following: SIFT: "Not Available"; PolyPhen-2: "Possibly Damaging"; Align-GVGD: "Not Available". The serine amino acid residue is found in multiple mammalian species, which suggests that this missense change does not adversely affect protein function. Algorithms developed to predict the effect of sequence changes on RNA splicing suggest that this variant may create or strengthen a splice site. In summary, the available evidence is currently insufficient to determine the role of this variant in disease. Therefore, it has been classified as a Variant of Uncertain Significance.